The following is an entry in ClinVar:

NM_001370259.2(MEN1):c.783+1G>A

Gene: MEN1 (menin 1; minus strand). Cytogenetic location: 11q13.1.
Variant type: single nucleotide variant.
Coding change: c.783+1G>A on transcript NM_001370259.2 (MANE Select); the canonical splice donor site of the intron after coding-DNA position 783, G replaced by A.
Molecular consequence: splice donor variant.
Genome position (GRCh38, 1-based): chr11:64,807,551, C>T on the plus strand (G>A on the coding strand, the complement: MEN1 is on the minus strand). VCF-style: chr11-64807551-C-T. GRCh37 (hg19) VCF-style: chr11-64575023-C-T.
Other names: c.798+1G>A (NM_130804.3, NM_130803.3, NM_000244.4 and 5 more transcripts); c.678+1G>A (NM_001407148.1, NM_001407149.1, NM_001407151.1 and 2 more transcripts); c.783+1G>A (NM_130799.3, NM_001407144.1, NM_001370260.2 and 7 more transcripts).
Identifiers: ClinVar variation 428081 (VCV000428081.23), dbSNP rs794728652, ClinGen allele CA381184101.
Genomic context (GRCh38, chr11:64,807,551, plus strand): 5'-GGGTCCCACAGCAAGTCAAGTCTGGCCTAGCCCAGTCCTGCCCCATTGGCTCAGCCCTCA[C>T]CTGCTGCAGCTGCAGAAGCTCCAGCGAGTCGGTGTGCAGGTCAATGGAAGGGTTGATGGC-3'

ClinVar aggregate classification (germline): Pathogenic. Review status: criteria provided, multiple submitters, no conflicts (2 of 4 stars). 5 submissions from 5 submitters: Pathogenic (5). Last evaluated 2026-04-27.
ClinVar aggregate classification (oncogenicity): Likely oncogenic (0 of 4 stars; one submission).

Conditions:
Hereditary cancer-predisposing syndrome. Also called: Hereditary Cancer Syndrome; Neoplastic Syndromes, Hereditary; Hereditary neoplastic syndrome; Tumor predisposition. Identifiers: Orphanet 140162, MedGen C0027672, MeSH D009386, MONDO:0015356.
Multiple endocrine neoplasia, type 1 (MEN1). Also called: MEN I; WERMER SYNDROME; Endocrine adenomatosis multiple; MEN 1; MEA I. Identifiers: Orphanet 652, MedGen C0025267, MeSH D018761, MONDO:0007540, OMIM 131100.
Neuroendocrine tumor of pancreas. Also called: Neuroendocrine pancreatic tumor. Identifiers: Orphanet 97253, MedGen C1337011, MONDO:0019954.

Allele frequency attached by ClinVar (database versions not stated): gnomAD exomes below 0.00001.

Submissions (6):

Myriad Genetics, Inc.
Classification: Pathogenic for Multiple endocrine neoplasia, type 1. Last evaluated: 2026-04-27. Review status: criteria provided, single submitter. Criteria: Myriad Autosomal Dominant, Autosomal Recessive and X-Linked Classification Criteria (2023). Collection method: clinical testing. Allele origin: unknown.
Comment: This variant is considered pathogenic. This variant occurs within a consensus splice junction and is predicted to result in abnormal mRNA splicing of either an out-of-frame exon or an in-frame exon necessary for protein stability and/or normal function. mRNA analysis has demonstrated abnormal mRNA splicing occurs [PMID: 10762295]. This variant has been reported in multiple individuals with clinical features of gene-specific disease [PMID: 10762295, 10664520, 37668926, 34922358, 25494863, 30339208, 23334809, 27846313].

Labcorp Genetics (formerly Invitae), Labcorp
Classification: Pathogenic for Multiple endocrine neoplasia, type 1. Last evaluated: 2026-01-04. Review status: criteria provided, single submitter. Criteria: Invitae Variant Classification Sherloc (09022015). Collection method: clinical testing. Allele origin: germline.
Comment: This sequence change affects a donor splice site in intron 4 of the MEN1 gene. RNA analysis indicates that disruption of this splice site induces altered splicing and may result in an absent or altered protein product. This variant is present in population databases (no rsID available, gnomAD 0.0009%). Disruption of this splice site has been observed in individuals with multiple endocrine neoplasia type 1 (PMID: 9683585, 9888389, 10664520, 22666734). Invitae Evidence Modeling of clinical and family history, age, sex, and reported ancestry of multiple individuals with this MEN1 variant has been performed. This variant is expected to be pathogenic with a positive predictive value of at least 99%. This is a validated machine learning model that incorporates the clinical features of 1,366,787 individuals referred to our laboratory for MEN1 testing. This variant is also known as c.893+1G>A or IVS4+1T>A. ClinVar contains an entry for this variant (Variation ID: 428081). Studies have shown that disruption of this splice site results in multiple mRNA products, and produces a non-functional protein and/or introduces a premature termination codon (internal data). For these reasons, this variant has been classified as Pathogenic.

Ambry Genetics
Classification: Pathogenic for Hereditary cancer-predisposing syndrome. Last evaluated: 2022-09-07. Review status: criteria provided, single submitter. Criteria: Ambry Variant Classification Scheme 2023. Collection method: clinical testing. Allele origin: germline.
Comment: The c.783+1G>A intronic pathogenic mutation results from a G to A substitution one nucleotide after coding exon 3 of the MEN1 gene. This alteration has been reported in two unrelated individuals with a clinical diagnosis of MEN1 (Morelli A et al. Eur. J. Endocrinol. 2000 Feb;142:131-7; Wen Z et al. Arq Bras Endocrinol Metabol. 2012 Apr;56:184-9). Furthermore, two different alterations at this same nucleotide position (c.783+1G>T, c.783+1G>C) have also been reported in patients with MEN1 (Giraud S et al. Am. J. Hum. Genet. 1998 Aug;63:455-67; Poncin J et al. Hum. Mutat. 1999;13:54-60). In addition to the clinical data presented in the literature, alterations that disrupt the canonical splice site are expected to cause aberrant splicing, resulting in an abnormal protein or a transcript that is subject to nonsense-mediated mRNA decay. RNA studies have demonstrated that this alteration results in abnormal splicing in the set of samples tested (Ambry internal data). As such, this alteration is classified as a disease-causing mutation.

Women's Health and Genetics/Laboratory Corporation of America, LabCorp
Classification: Pathogenic for Multiple endocrine neoplasia, type 1. Last evaluated: 2022-05-02. Review status: criteria provided, single submitter. Criteria: LabCorp Variant Classification Summary - May 2015. Collection method: clinical testing. Allele origin: germline.
Comment: Variant summary: MEN1 c.783+1G>A alters a conserved nucleotide located in a canonical splice-site and is predicted to affect mRNA splicing resulting in a significantly altered protein due to either exon skipping, shortening, or inclusion of intronic material. Several computational tools predict a significant impact on normal splicing: Four predict the variant abolishes the canonical 5' splicing donor site. At least one publication reports experimental evidence that this variant affects mRNA splicing resulting in exon skipping (Hai_2000). The variant allele was found at a frequency of 4e-06 in 251124 control chromosomes. c.783+1G>A has been reported in the literature (as 893+1G>A or IVS4+1G>A) in individuals affected with Multiple Endocrine Neoplasia Type 1 (example, Hai_2000, Marini_2018, Nunes_2014). These data indicate that the variant is likely to be associated with disease. Three clinical diagnostic laboratories have submitted clinical-significance assessments for this variant to ClinVar after 2014 without evidence for independent evaluation. All laboratories classified the variant as pathogenic/likely pathogenic. Based on the evidence outlined above, the variant was classified as pathogenic.

ARUP Laboratories, Molecular Genetics and Genomics, ARUP Laboratories
Classification: Pathogenic. Last evaluated: 2017-02-05. Review status: criteria provided, single submitter. Criteria: ARUP Molecular Germline Variant Investigation Process. Collection method: clinical testing. Allele origin: germline.

Genome Sciences Centre, British Columbia Cancer Agency
Classification: Likely oncogenic for Neuroendocrine tumor of pancreas. Last evaluated: 2024-11-13. Review status: no assertion criteria provided. Collection method: research. Allele origin: somatic. Affected: yes. Observed: 1 variant allele.

Literature cited by the submitters: PubMed 10762295 (cited by Myriad Genetics, Inc. and Women's Health and Genetics/Laboratory Corporation of America, LabCorp); PubMed 10664520 (cited by 4 submitters); PubMed 37668926 (cited by Myriad Genetics, Inc.); PubMed 34922358 (cited by Myriad Genetics, Inc.); PubMed 25494863 (cited by Myriad Genetics, Inc.); PubMed 30339208 (cited by Myriad Genetics, Inc.); PubMed 23334809 (cited by Myriad Genetics, Inc. and Women's Health and Genetics/Laboratory Corporation of America, LabCorp); PubMed 27846313 (cited by Myriad Genetics, Inc.); PubMed 9683585 (cited by Labcorp Genetics (formerly Invitae), Labcorp and Ambry Genetics); PubMed 9888389 (cited by Labcorp Genetics (formerly Invitae), Labcorp and Ambry Genetics); PubMed 22666734 (cited by Labcorp Genetics (formerly Invitae), Labcorp and Ambry Genetics); PubMed 25525159 (cited by Ambry Genetics); PubMed 11579199 (cited by Women's Health and Genetics/Laboratory Corporation of America, LabCorp); PubMed 15464422 (cited by Women's Health and Genetics/Laboratory Corporation of America, LabCorp); PubMed 15281352 (cited by Women's Health and Genetics/Laboratory Corporation of America, LabCorp); PubMed 30364322 (cited by Women's Health and Genetics/Laboratory Corporation of America, LabCorp).